The following is an entry in ClinVar:

NM_001010874.5(TECRL):c.730+1G>A

Gene: TECRL (trans-2,3-enoyl-CoA reductase like; minus strand). Cytogenetic location: 4q13.1.
Variant type: single nucleotide variant.
Coding change: c.730+1G>A on transcript NM_001010874.5 (MANE Select); the canonical splice donor site of the intron after coding-DNA position 730, G replaced by A.
Molecular consequence: splice donor variant.
Genome position (GRCh38, 1-based): chr4:64,305,165, C>T on the plus strand (G>A on the coding strand, the complement: TECRL is on the minus strand). VCF-style: chr4-64305165-C-T. GRCh37 (hg19) VCF-style: chr4-65170883-C-T.
Other names: c.730+1G>A (NM_001363796.1).
Identifiers: ClinVar variation 1305763 (VCV001305763.5), dbSNP rs369606261, ClinGen allele CA98615911.

ClinVar aggregate classification (germline): Likely pathogenic. Review status: criteria provided, multiple submitters, no conflicts (2 of 4 stars). 2 submissions from 2 submitters: Likely pathogenic (2). Last evaluated 2023-05-17.

Conditions:
Cardiovascular phenotype. Identifiers: MedGen CN230736.

Allele frequency attached by ClinVar (database versions not stated): TOPMed below 0.00001; gnomAD 0.00001; gnomAD exomes 0.00001; ESP Exome Variant Server 0.00008.
gnomAD v4.1: 12 of 1,607,380 alleles (0.00075%); highest among the groups gnomAD compares: Non-Finnish European, 0.001%; no homozygotes.

Submissions (2):

GeneDx
Classification: Likely pathogenic. Last evaluated: 2023-05-17. Review status: criteria provided, single submitter. Criteria: GeneDx Variant Classification Process June 2021. Collection method: clinical testing. Allele origin: germline. Affected: yes.
Comment: Canonical splice site variant predicted to result in a null allele in a gene for which loss of function is a known mechanism of disease; Not observed at significant frequency in large population cohorts (gnomAD); Has not been previously published as pathogenic or benign to our knowledge

Ambry Genetics
Classification: Likely pathogenic for Cardiovascular phenotype. Last evaluated: 2022-04-05. Review status: criteria provided, single submitter. Criteria: Ambry Variant Classification Scheme 2023. Collection method: clinical testing. Allele origin: germline.
Comment: The c.730+1G>A intronic variant results from a G to A substitution one nucleotide after coding exon 7 of the TECRL gene. This variant is considered to be rare based on population cohorts in the Genome Aggregation Database (gnomAD). This nucleotide position is highly conserved in available vertebrate species. In silico splice site analysis predicts that this alteration will weaken the native splice donor site. Alterations that disrupt the canonical splice site are expected to cause aberrant splicing, resulting in an abnormal protein or a transcript that is subject to nonsense-mediated mRNA decay. As such, this alteration is classified as likely pathogenic.